The following is an entry in ClinVar:

NM_003482.4(KMT2D):c.14497G>C (p.Gly4833Arg)

Gene: KMT2D (lysine methyltransferase 2D; minus strand). Cytogenetic location: 12q13.12.
Variant type: single nucleotide variant.
Coding change: c.14497G>C on transcript NM_003482.4 (MANE Select); coding-DNA position 14497, G replaced by C.
Protein change: p.Gly4833Arg; replaces glycine 4833 with arginine.
Molecular consequence: missense variant.
Genome position (GRCh38, 1-based): chr12:49,028,027, C>G on the plus strand (G>C on the coding strand, the complement: KMT2D is on the minus strand). VCF-style: chr12-49028027-C-G. GRCh37 (hg19) VCF-style: chr12-49421810-C-G.
Other names: short protein forms G4833R.
Identifiers: ClinVar variation 2170883 (VCV002170883.20), dbSNP rs534899657, ClinGen allele CA6545728.

ClinVar aggregate classification (germline): Benign/Likely benign. Review status: criteria provided, multiple submitters, no conflicts (2 of 4 stars). 3 submissions from 3 submitters: Benign (1); Likely benign (1). 1 of the submissions does not count toward it. Last evaluated 2025-02-24.

Conditions:
KMT2D-related disorder. Also called: KMT2D-Related Disorders.
Kabuki syndrome. Also called: NIIKAWA-KUROKI SYNDROME; Kabuki make-up syndrome. Identifiers: Orphanet 2322, MedGen C0796004, MONDO:0016512.

Allele frequency attached by ClinVar (database versions not stated): gnomAD exomes 0.00003; ExAC 0.00008; 1000 Genomes Project 30x 0.00016; 1000 Genomes Project 0.00020.
gnomAD v4.1: 49 of 1,613,436 alleles (0.003%); highest among the groups gnomAD compares: South Asian, 0.048%; 1 homozygote.

Submissions (3):

Labcorp Genetics (formerly Invitae), Labcorp
Classification: Benign for Kabuki syndrome. Last evaluated: 2025-02-24. Review status: criteria provided, single submitter. Criteria: Invitae Variant Classification Sherloc (09022015). Collection method: clinical testing. Allele origin: germline.

CeGaT Center for Human Genetics Tuebingen
Classification: Likely benign. Last evaluated: 2024-11-01. Review status: criteria provided, single submitter. Criteria: CeGaT Center For Human Genetics Tuebingen Variant Classification Criteria Version 2. Collection method: clinical testing. Allele origin: germline. Affected: yes. Observed: 1 variant allele.
Comment: KMT2D: BS1

PreventionGenetics, part of Exact Sciences
Classification: Likely benign for KMT2D-related condition. Last evaluated: 2023-01-18. Review status: no assertion criteria provided. Collection method: clinical testing. Allele origin: germline. Not counted in ClinVar's aggregate classification.
Comment: This variant is classified as likely benign based on ACMG/AMP sequence variant interpretation guidelines (Richards et al. 2015 PMID: 25741868, with internal and published modifications).